The following is an entry in ClinVar:

NM_182919.4(TICAM1):c.916G>A (p.Glu306Lys)

Gene: TICAM1 (TIR domain containing adaptor molecule 1; minus strand). Cytogenetic location: 19p13.3.
Variant type: single nucleotide variant.
Coding change: c.916G>A on transcript NM_182919.4 (MANE Select); coding-DNA position 916, G replaced by A.
Protein change: p.Glu306Lys; replaces glutamic acid 306 with lysine.
Molecular consequence: missense variant.
Genome position (GRCh38, 1-based): chr19:4,817,462, C>T on the plus strand (G>A on the coding strand, the complement: TICAM1 is on the minus strand). VCF-style: chr19-4817462-C-T. GRCh37 (hg19) VCF-style: chr19-4817474-C-T.
Other names: c.874G>A, p.Glu292Lys (NM_001385678.1); c.781G>A, p.Glu261Lys (NM_001385679.1); c.274G>A, p.Glu92Lys (NM_001385680.1); short protein forms E292K, E92K, E261K, E306K.
Identifiers: ClinVar variation 1353107 (VCV001353107.8), dbSNP rs766504909, ClinGen allele CA9105253.

ClinVar aggregate classification (germline): Uncertain significance (1 of 4 stars; one submission).

Conditions:
Encephalopathy, acute, infection-induced (herpes-specific), susceptibility to, 6. Also called: Herpes simplex encephalitis, susceptibility to, 4. Identifiers: Orphanet 1930, MedGen C3553869, MONDO:0013921, OMIM 614850.

Allele frequency attached by ClinVar (database versions not stated): TOPMed 0.00001.
gnomAD v4.1: 6 of 1,614,052 alleles (0.00037%); highest among the groups gnomAD compares: Admixed American, 0.0033%; no homozygotes.

Submission:

Labcorp Genetics (formerly Invitae), Labcorp
Classification: Uncertain significance for Encephalopathy, acute, infection-induced (herpes-specific), susceptibility to, 6. Last evaluated: 2021-08-05. Review status: criteria provided, single submitter. Criteria: Invitae Variant Classification Sherloc (09022015). Collection method: clinical testing. Allele origin: germline.
Comment: This sequence change replaces glutamic acid with lysine at codon 306 of the TICAM1 protein (p.Glu306Lys). The glutamic acid residue is moderately conserved and there is a small physicochemical difference between glutamic acid and lysine. This variant is present in population databases (rs766504909, ExAC 0.009%). This variant has not been reported in the literature in individuals with TICAM1-related conditions. Algorithms developed to predict the effect of missense changes on protein structure and function output the following: SIFT: "Tolerated"; PolyPhen-2: "Benign"; Align-GVGD: "Class C0". The lysine amino acid residue is found in multiple mammalian species, suggesting that this missense change does not adversely affect protein function. These predictions have not been confirmed by published functional studies and their clinical significance is uncertain. In summary, the available evidence is currently insufficient to determine the role of this variant in disease. Therefore, it has been classified as a Variant of Uncertain Significance.